The following is an entry in ClinVar:

NM_000540.3(RYR1):c.1598G>A (p.Arg533His)

Gene: RYR1 (ryanodine receptor 1; plus strand). Cytogenetic location: 19q13.2.
Variant type: single nucleotide variant.
Coding change: c.1598G>A on transcript NM_000540.3 (MANE Select); coding-DNA position 1598, G replaced by A.
Protein change: p.Arg533His; replaces arginine 533 with histidine.
Molecular consequence: missense variant.
Genome position (GRCh38, 1-based): chr19:38,455,472, G>A. VCF-style: chr19-38455472-G-A. GRCh37 (hg19) VCF-style: chr19-38946112-G-A.
Other names: NM_000540.3(RYR1):c.1598G>A; c.1598G>A, p.Arg533His (NM_001042723.2); short protein forms R533H.
Identifiers: ClinVar variation 133103 (VCV000133103.81), dbSNP rs144336148, ClinGen allele CA024295.
Genomic context (GRCh38, chr19:38,455,472, plus strand): 5'-CCCCAGTCCTATTGGATCTGACACCTCTTCCCCCCTCAGCTTCTCTAATCCGTGGCAATC[G>A]TAGCAACTGTGCCCTCTTCTCCACAAACTTGGACTGGCTGGTCAGCAAGCTGGATCGGCT-3'
Protein context (NP_000531.2, residues 523-543): ELLASLIRGN[Arg533His]SNCALFSTNL

ClinVar aggregate classification (germline): Uncertain significance. Review status: reviewed by expert panel (3 of 4 stars). 19 submissions from 19 submitters: Uncertain significance (1). 18 of the submissions do not count toward it. Last evaluated 2025-08-01.

Conditions:
Central core myopathy (CMYO1A). Also called: CONGENITAL MYOPATHY 1A, AUTOSOMAL DOMINANT, WITH SUSCEPTIBILITY TO MALIGNANT HYPERTHERMIA; Central core disease; Myopathy, central fibrillar. Identifiers: Orphanet 597, MedGen C5830701, MONDO:0007294, OMIM 117000.
Congenital multicore myopathy with external ophthalmoplegia (CMYO1B). Also called: Minicore myopathy with external ophthalmoplegia; MULTIMINICORE DISEASE WITH EXTERNAL OPHTHALMOPLEGIA; Congenital myopathy 1B, autosomal recessive; Minicore myopathy; MULTICORE MYOPATHY. Identifiers: Orphanet 598, Orphanet 98905, MedGen C1850674, MONDO:0009712, OMIM 255320, HP:0003789.
Congenital myopathy with fiber type disproportion. Also called: Congenital fiber-type disproportion myopathy; Congenital fiber-type disproportion. Identifiers: Orphanet 2020, MedGen C0546264, MONDO:0009711. Inheritance: all.
King Denborough syndrome (KDS). Identifiers: MedGen C1840365, MONDO:0020485, OMIM 619542.
Malignant hyperthermia, susceptibility to, 1 (MHS1). Also called: Anesthesia related hyperthermia; Malignant hyperpyrexia; Fulminating hyperpyrexia; Pharmacogenic myopathy; RYR1-Related Malignant Hyperthermia Susceptibility; Malignant hyperthermia suceptibility 1. Identifiers: Orphanet 423, MedGen C2930980, MONDO:0007783, OMIM 145600.
RYR1-related disorder. Also called: RYR1-related disorders; RYR1-related condition. Identifiers: MedGen CN239331.
Malignant hyperthermia of anesthesia. Also called: Anesthesic-triggered malignant hyperthermia. Identifiers: Orphanet 423, MedGen C0024591, MONDO:0018493, HP:0034733.

Allele frequency attached by ClinVar (database versions not stated): gnomAD exomes 0.00011; gnomAD 0.00029 and 0.00025; TOPMed 0.00031; ESP Exome Variant Server 0.00054; ExAC 0.00010.
gnomAD v4.1: 207 of 1,613,998 alleles (0.013%); highest among the groups gnomAD compares: African/African-American, 0.067%; no homozygotes.

Submissions 1 to 7 of 19:

ClinGen Malignant Hyperthermia Susceptibility Variant Curation Expert Panel, ClinGen
Classification: Uncertain significance for Malignant hyperthermia, susceptibility to, 1. Last evaluated: 2025-08-01. Review status: reviewed by expert panel. Criteria: ClinGen MHS ACMG Specifications V2. Collection method: curation. Allele origin: germline. Inheritance: Autosomal dominant inheritance. Study: ClinGen.
Comment: This pathogenicity assessment is relevant only for malignant hyperthermia susceptibility (MHS) inherited in an autosomal dominant pattern. Variants in RYR1 can also cause other myopathies inherited in an autosomal dominant pattern or in an autosomal recessive pattern. Some of these disorders may predispose individuals to malignant hyperthermia. RYR1 variants may also contribute to a malignant hyperthermia reaction in combination with other genetic and non-genetic factors and the clinician needs to consider such factors in making management decisions. This sequence variant predicts a substitution of Arginine with Histidine at codon 533 of the RYR1 protein, p.(Arg533His). The maximum allele frequency for this variant among the six major gnomAD populations is AFR: 0.00044, a frequency consistent with pathogenicity for MHS. This variant has been reported in 3 unrelated individuals who have a personal or family history of a malignant hyperthermia reaction, 2 of these individuals had a positive in vitro contracture test (IVCT) or caffeine halothane contracture test (CHCT) result (if the proband was unavailable for testing, a positive diagnostic test result in a mutation-positive relative was counted), (PMID:30236257, PMID:16732084). However, the high MAF in the AFR population in gnomAD precludes the use of PS4. Functional studies in HEK293 cells show an increased sensitivity to RYR1 agonists, PS3_Moderate, (PMID:23459219). This variant resides in a region of RYR1 considered to be a hotspot for pathogenic variants that contribute to MHS, PM1 (PMID: 21118704). A REVEL score of 0.824 supports neither a pathogenic nor a benign status for this variant. This variant has been classified as a Variant of Unknown Significance. Criteria implemented: PS3_Moderate, PM1.

CeGaT Center for Human Genetics Tuebingen
Classification: Likely pathogenic. Last evaluated: 2026-04-01. Review status: criteria provided, single submitter. Criteria: CeGaT Center For Human Genetics Tuebingen Variant Classification Criteria Version 2. Collection method: clinical testing. Allele origin: germline. Affected: yes. Observed: 10 variant alleles. Not counted in ClinVar's aggregate classification.
Comment: RYR1: PM1, PM5, PS3:Moderate

Institute of Human Genetics, University of Leipzig Medical Center
Classification: Uncertain significance for Malignant hyperthermia, susceptibility to, 1. Last evaluated: 2026-01-26. Review status: criteria provided, single submitter. Criteria: ACMG Guidelines, 2015. Collection method: clinical testing. Allele origin: unknown. Inheritance: Autosomal dominant inheritance. Affected: yes. Not counted in ClinVar's aggregate classification.
Comment: Criteria applied: PS3_MOD,PM1

Women's Health and Genetics/Laboratory Corporation of America, LabCorp
Classification: Likely pathogenic for Malignant hyperthermia of anesthesia. Last evaluated: 2026-01-13. Review status: criteria provided, single submitter. Criteria: LabCorp Variant Classification Summary - May 2015. Collection method: clinical testing. Allele origin: germline. Not counted in ClinVar's aggregate classification.
Comment: Variant summary: RYR1 c.1598G>A (p.Arg533His) results in a non-conservative amino acid change located in the RIH domain (IPR000699) of the encoded protein sequence. Algorithms developed to predict the effect of missense changes on protein structure and function all suggest that this variant is likely to be disruptive. The variant allele was found at a frequency of 0.00011 in 251492 control chromosomes, predominantly at a frequency of 0.00049 within the African or African-American subpopulation in the gnomAD database. c.1598G>A has been observed in individual(s) affected with Malignant Hyperthermia Susceptibility.c.1598G>A has been reported in individuals affected with autosomal dominant Malignant Hyperthermia Susceptibility (example, Miller_2018, Ibarra_2006, Klincova_2022). These data indicate that the variant may be associated with disease. A different variant affecting the same codon has been classified as pathogenic by our lab (c.1597C>T, p.Arg533Cys), supporting the critical relevance of codon 533 to RYR1 protein function. At least one publication reports experimental evidence evaluating an impact on protein function. The most pronounced variant effect results in >20-fold increased sensitivity to a ryanodine receptor agonist in vitro (example, Sato_2013). The following publications have been ascertained in the context of this evaluation (PMID: 30236257, 16732084, 23459219, 35718563). ClinVar contains an entry for this variant (Variation ID: 133103). Based on the evidence outlined above, the variant was classified as likely pathogenic.

Labcorp Genetics (formerly Invitae), Labcorp
Classification: Uncertain significance for RYR1-related disorder. Last evaluated: 2025-12-03. Review status: criteria provided, single submitter. Criteria: Invitae Variant Classification Sherloc (09022015). Collection method: clinical testing. Allele origin: germline. Not counted in ClinVar's aggregate classification.
Comment: This sequence change replaces arginine, which is basic and polar, with histidine, which is basic and polar, at codon 533 of the RYR1 protein (p.Arg533His). This variant is present in population databases (rs144336148, gnomAD 0.06%). This missense change has been observed in individual(s) with clinical features of malignant hyperthermia (PMID: 10484775, 30236257, 35718563). ClinVar contains an entry for this variant (Variation ID: 133103). Invitae Evidence Modeling of protein sequence and biophysical properties (such as structural, functional, and spatial information, amino acid conservation, physicochemical variation, residue mobility, and thermodynamic stability) has been performed for this missense variant. However, the output from this modeling did not meet the statistical confidence thresholds required to predict the impact of this variant on RYR1 protein function. Experimental studies have shown that this missense change affects RYR1 function (PMID: 23459219). In summary, the available evidence is currently insufficient to determine the role of this variant in disease. Therefore, it has been classified as a Variant of Uncertain Significance.

GeneDx
Classification: Likely pathogenic. Last evaluated: 2025-11-25. Review status: criteria provided, single submitter. Criteria: GeneDx Variant Classification Process June 2021. Collection method: clinical testing. Allele origin: germline. Affected: yes. Not counted in ClinVar's aggregate classification.
Comment: Published functional studies suggest an increased sensitivity to a RYR1 agonist compared to wild-type controls, which is consistent with the mechanism for malignant hyperthermia (PMID: 23459219); In silico analysis supports that this missense variant has a deleterious effect on protein structure/function; This variant is associated with the following publications: (PMID: 10484775, 24055113, 25637381, 27147545, 30236257, 11668625, 31301762, 33767344, 32381029, 32919876, Kanzaki2022[Paper], 35718563, 34890165, 16732084, 30499100, 16084090, 16917943, 23459219, Peddareddygari[2025])

Revvity Omics, Revvity
Classification: Uncertain significance. Last evaluated: 2024-12-02. Review status: criteria provided, single submitter. Criteria: ACMG Guidelines, 2015. Collection method: clinical testing. Allele origin: germline. Not counted in ClinVar's aggregate classification.